The following is an entry in ClinVar:

NM_004560.4(ROR2):c.2324C>G (p.Thr775Ser)

Gene: ROR2 (receptor tyrosine kinase like orphan receptor 2; minus strand). Cytogenetic location: 9q22.31.
Variant type: single nucleotide variant.
Coding change: c.2324C>G on transcript NM_004560.4 (MANE Select); coding-DNA position 2324, C replaced by G.
Protein change: p.Thr775Ser; replaces threonine 775 with serine.
Molecular consequence: missense variant.
Genome position (GRCh38, 1-based): chr9:91,724,170, G>C on the plus strand (C>G on the coding strand, the complement: ROR2 is on the minus strand). VCF-style: chr9-91724170-G-C. GRCh37 (hg19) VCF-style: chr9-94486452-G-C.
Other names: short protein forms T775S.
Identifiers: ClinVar variation 2605850 (VCV002605850.3), dbSNP rs1836910035, ClinGen allele CA373794723.

ClinVar aggregate classification (germline): Uncertain significance. Review status: criteria provided, multiple submitters, no conflicts (2 of 4 stars). 2 submissions from 2 submitters: Uncertain significance (2). Last evaluated 2025-03-07.

Conditions:
Inborn genetic diseases. Identifiers: MedGen C0950123, MeSH D030342.

Allele frequency attached by ClinVar (database versions not stated): TOPMed below 0.00001.

Submissions (2):

Labcorp Genetics (formerly Invitae), Labcorp
Classification: Uncertain significance. Last evaluated: 2025-03-07. Review status: criteria provided, single submitter. Criteria: Invitae Variant Classification Sherloc (09022015). Collection method: clinical testing. Allele origin: germline.
Comment: This sequence change replaces threonine, which is neutral and polar, with serine, which is neutral and polar, at codon 775 of the ROR2 protein (p.Thr775Ser). This variant is not present in population databases (gnomAD no frequency). This variant has not been reported in the literature in individuals affected with ROR2-related conditions. ClinVar contains an entry for this variant (Variation ID: 2605850). Invitae Evidence Modeling of protein sequence and biophysical properties (such as structural, functional, and spatial information, amino acid conservation, physicochemical variation, residue mobility, and thermodynamic stability) indicates that this missense variant is not expected to disrupt ROR2 protein function with a negative predictive value of 80%. In summary, the available evidence is currently insufficient to determine the role of this variant in disease. Therefore, it has been classified as a Variant of Uncertain Significance.

Ambry Genetics
Classification: Uncertain significance for Inborn genetic diseases. Last evaluated: 2023-06-23. Review status: criteria provided, single submitter. Criteria: Ambry Variant Classification Scheme 2023. Collection method: clinical testing. Allele origin: germline.